The following is an entry in ClinVar:

NM_198576.4(AGRN):c.3264G>T (p.Leu1088Phe)

Gene: AGRN (agrin; plus strand). Cytogenetic location: 1p36.33.
Variant type: single nucleotide variant.
Coding change: c.3264G>T on transcript NM_198576.4 (MANE Select); coding-DNA position 3264, G replaced by T.
Protein change: p.Leu1088Phe; replaces leucine 1088 with phenylalanine.
Molecular consequence: missense variant.
Genome position (GRCh38, 1-based): chr1:1,046,833, G>T. VCF-style: chr1-1046833-G-T. GRCh37 (hg19) VCF-style: chr1-982213-G-T.
Other names: c.3264G>T, p.Leu1088Phe (NM_001305275.2); c.2949G>T, p.Leu983Phe (NM_001364727.2); short protein forms L1088F, L983F.
Identifiers: ClinVar variation 573911 (VCV000573911.9), dbSNP rs150132566, ClinGen allele CA509009.

ClinVar aggregate classification (germline): Uncertain significance. Review status: criteria provided, multiple submitters, no conflicts (2 of 4 stars). 2 submissions from 2 submitters: Uncertain significance (2). Last evaluated 2026-04-01.

Conditions:
Congenital myasthenic syndrome 8. Also called: Myasthenic syndrome, congenital, 8, with pre- and postsynaptic defects; MYASTHENIC SYNDROME, CONGENITAL, DUE TO AGRIN DEFICIENCY. Identifiers: Orphanet 590, MedGen C3808739, MONDO:0014052, OMIM 615120.

Allele frequency attached by ClinVar (database versions not stated): 1000 Genomes Project 30x 0.00094.
gnomAD v4.1: 98 of 1,585,712 alleles (0.0062%); highest among the groups gnomAD compares: African/African-American, 0.12%; no homozygotes.

Submissions (2):

GeneDx
Classification: Uncertain significance. Last evaluated: 2026-04-01. Review status: criteria provided, single submitter. Criteria: GeneDx Variant Classification Process June 2021. Collection method: clinical testing. Allele origin: germline.
Comment: In silico analysis suggests that this missense variant does not alter protein structure/function; Has not been previously published as pathogenic or benign to our knowledge

Labcorp Genetics (formerly Invitae), Labcorp
Classification: Uncertain significance for Congenital myasthenic syndrome 8. Last evaluated: 2024-02-23. Review status: criteria provided, single submitter. Criteria: Invitae Variant Classification Sherloc (09022015). Collection method: clinical testing. Allele origin: germline.
Comment: This sequence change replaces leucine, which is neutral and non-polar, with phenylalanine, which is neutral and non-polar, at codon 1088 of the AGRN protein (p.Leu1088Phe). This variant is present in population databases (rs150132566, gnomAD 0.1%). This variant has not been reported in the literature in individuals affected with AGRN-related conditions. ClinVar contains an entry for this variant (Variation ID: 573911). Algorithms developed to predict the effect of missense changes on protein structure and function output the following: SIFT: "Not Available"; PolyPhen-2: "Benign"; Align-GVGD: "Not Available". The phenylalanine amino acid residue is found in multiple mammalian species, which suggests that this missense change does not adversely affect protein function. In summary, the available evidence is currently insufficient to determine the role of this variant in disease. Therefore, it has been classified as a Variant of Uncertain Significance.